The following is an entry in ClinVar:

ClinVar aggregate classification (germline): Uncertain significance. Review status: criteria provided, multiple submitters, no conflicts (2 of 4 stars). 2 submissions from 2 submitters: Uncertain significance (2). Last evaluated 2026-04-23.

Conditions:
Hereditary cancer-predisposing syndrome. Also called: Neoplastic Syndromes, Hereditary; Tumor predisposition; Hereditary Cancer Syndrome; Hereditary neoplastic syndrome. Identifiers: Orphanet 140162, MedGen C0027672, MeSH D009386, MONDO:0015356.

gnomAD v4.1: 2 of 1,613,404 alleles (0.00012%); highest among the groups gnomAD compares: Middle Eastern, 0.016%; no homozygotes.

Submissions (2):

Ambry Genetics
Classification: Uncertain significance for Hereditary cancer-predisposing syndrome. Last evaluated: 2026-04-23. Review status: criteria provided, single submitter. Criteria: Ambry Variant Classification Scheme 2023. Collection method: clinical testing. Allele origin: germline.
Comment: The p.V238A variant (also known as c.713T>C), located in coding exon 5 of the NTHL1 gene, results from a T to C substitution at nucleotide position 713. The valine at codon 238 is replaced by alanine, an amino acid with similar properties. This amino acid position is conserved. In addition, this alteration is predicted to be deleterious by in silico analysis. Based on the available evidence, the clinical significance of this variant remains unclear.

Labcorp Genetics (formerly Invitae), Labcorp
Classification: Uncertain significance. Last evaluated: 2024-10-16. Review status: criteria provided, single submitter. Criteria: Invitae Variant Classification Sherloc (09022015). Collection method: clinical testing. Allele origin: germline.
Comment: This sequence change replaces valine, which is neutral and non-polar, with alanine, which is neutral and non-polar, at codon 238 of the NTHL1 protein (p.Val238Ala). This variant is not present in population databases (gnomAD no frequency). This variant has not been reported in the literature in individuals affected with NTHL1-related conditions. ClinVar contains an entry for this variant (Variation ID: 1942608). An algorithm developed to predict the effect of missense changes on protein structure and function (PolyPhen-2) suggests that this variant is likely to be disruptive. In summary, the available evidence is currently insufficient to determine the role of this variant in disease. Therefore, it has been classified as a Variant of Uncertain Significance.

NM_002528.7(NTHL1):c.689T>C (p.Val230Ala)

Gene: NTHL1 (nth like DNA glycosylase 1; minus strand). Cytogenetic location: 16p13.3.
Variant type: single nucleotide variant.
Coding change: c.689T>C on transcript NM_002528.7 (MANE Select); coding-DNA position 689, T replaced by C.
Protein change: p.Val230Ala; replaces valine 230 with alanine.
Molecular consequence: missense variant.
Genome position (GRCh38, 1-based): chr16:2,040,235, A>G on the plus strand (T>C on the coding strand, the complement: NTHL1 is on the minus strand). VCF-style: chr16-2040235-A-G. GRCh37 (hg19) VCF-style: chr16-2090236-A-G.
Other names: c.518T>C, p.Val173Ala (NM_001318193.2); c.359T>C, p.Val120Ala (NM_001318194.2); c.713T>C (NM_002528.5); short protein forms V173A, V120A, V230A.
Identifiers: ClinVar variation 1942608 (VCV001942608.6), dbSNP rs2548312118, ClinGen allele CA394289392.
Genomic context (GRCh38, chr16:2,040,235, plus strand): 5'-GACTTGGTTGCCTTCTTGGTCCACCTCAGCCTGTTGGCGATTCTGTGCACATGCGTGTCC[A>G]CTGCTGCTGGGAGGCCAAGCGGGGTGAACAGGGGCACACTCCACCAGCCTAGCCCGTGCC-3'
Protein context (NP_002519.2, residues 220-240): VAWGTVSGIA[Val230Ala]DTHVHRIANR